The following is an entry in ClinVar:

ClinVar aggregate classification (germline): Conflicting classifications of pathogenicity. Review status: criteria provided, conflicting classifications (1 of 4 stars). 2 submissions from 2 submitters: Uncertain significance (1); Likely benign (1). Last evaluated 2024-06-17.

Conditions:
Inborn genetic diseases. Identifiers: MedGen C0950123, MeSH D030342.

Allele frequency attached by ClinVar (database versions not stated): ExAC 0.00002; gnomAD 0.00003; TOPMed 0.00003.
gnomAD v4.1: 28 of 1,614,040 alleles (0.0017%); highest among the groups gnomAD compares: Middle Eastern, 0.016%; no homozygotes.

Submissions (2):

Ambry Genetics
Classification: Uncertain significance for Inborn genetic diseases. Last evaluated: 2024-06-17. Review status: criteria provided, single submitter. Criteria: Ambry Variant Classification Scheme 2023. Collection method: clinical testing. Allele origin: germline.

CeGaT Center for Human Genetics Tuebingen
Classification: Likely benign. Last evaluated: 2023-01-01. Review status: criteria provided, single submitter. Criteria: CeGaT Center For Human Genetics Tuebingen Variant Classification Criteria Version 2. Collection method: clinical testing. Allele origin: germline. Affected: yes. Observed: 1 variant allele.
Comment: SPEN: BP4

NM_015001.3(SPEN):c.8968C>G (p.Leu2990Val)

Gene: SPEN (spen family transcriptional repressor; plus strand). Cytogenetic location: 1p36.13.
Variant type: single nucleotide variant.
Coding change: c.8968C>G on transcript NM_015001.3 (MANE Select); coding-DNA position 8968, C replaced by G.
Protein change: p.Leu2990Val; replaces leucine 2990 with valine.
Molecular consequence: missense variant.
Genome position (GRCh38, 1-based): chr1:15,935,208, C>G. VCF-style: chr1-15935208-C-G. GRCh37 (hg19) VCF-style: chr1-16261703-C-G.
Other names: c.8968C>G (NM_015001.2); short protein forms L2990V.
Identifiers: ClinVar variation 2638341 (VCV002638341.25), dbSNP rs752974887, ClinGen allele CA620381.